The following is an entry in ClinVar:

NM_006379.5(SEMA3C):c.1276G>A (p.Asp426Asn)

Gene: SEMA3C (semaphorin 3C; minus strand). Cytogenetic location: 7q21.11.
Variant type: single nucleotide variant.
Coding change: c.1276G>A on transcript NM_006379.5 (MANE Select); coding-DNA position 1276, G replaced by A.
Protein change: p.Asp426Asn; replaces aspartic acid 426 with asparagine.
Molecular consequence: missense variant.
Genome position (GRCh38, 1-based): chr7:80,789,384, C>T on the plus strand (G>A on the coding strand, the complement: SEMA3C is on the minus strand). VCF-style: chr7-80789384-C-T. GRCh37 (hg19) VCF-style: chr7-80418700-C-T.
Other names: c.1330G>A, p.Asp444Asn (NM_001350120.2); c.1102G>A, p.Asp368Asn (NM_001350121.2); short protein forms D426N, D444N, D368N.
Identifiers: ClinVar variation 4995376 (VCV004995376.1).

ClinVar aggregate classification (germline): Uncertain significance (1 of 4 stars; one submission).

Conditions:
SEMA3C-related disorder. Also called: SEMA3C-related condition.

Submission:

PreventionGenetics, part of Exact Sciences
Classification: Uncertain significance for SEMA3C-related condition. Last evaluated: 2025-11-07. Review status: criteria provided, single submitter. Criteria: ACMG Guidelines, 2015. Collection method: clinical testing. Allele origin: germline.
Comment: The SEMA3C c.1330G>A variant is predicted to result in the amino acid substitution p.Asp444Asn. To our knowledge, this variant has not been reported in the literature or in a large population database (gnomAD), indicating this variant is rare. At this time, the clinical significance of this variant is uncertain due to the absence of conclusive functional and genetic evidence.